The following is an entry in ClinVar:

ClinVar aggregate classification (germline): Uncertain significance (1 of 4 stars; one submission).

Conditions:
PLXNA3-related disorder. Also called: PLXNA3-related condition.

gnomAD v4.1: 7 of 1,210,237 alleles (0.00058%); highest among the groups gnomAD compares: East Asian, 0.003%; no homozygotes.

Submission:

PreventionGenetics, part of Exact Sciences
Classification: Uncertain significance for PLXNA3-related condition. Last evaluated: 2026-01-11. Review status: criteria provided, single submitter. Criteria: ACMG Guidelines, 2015. Collection method: clinical testing. Allele origin: germline.
Comment: The PLXNA3 c.4838C>T variant is predicted to result in the amino acid substitution p.Ser1613Leu. To our knowledge, this variant has not been reported in the literature. This variant is reported in 0.0022% of alleles in individuals of European (Non-Finnish) descent in gnomAD. At this time, the clinical significance of this variant is uncertain due to the absence of conclusive functional and genetic evidence.

NM_017514.5(PLXNA3):c.4838C>T (p.Ser1613Leu)

Gene: PLXNA3 (plexin A3; plus strand). Cytogenetic location: Xq28.
Variant type: single nucleotide variant.
Coding change: c.4838C>T on transcript NM_017514.5 (MANE Select); coding-DNA position 4838, C replaced by T.
Protein change: p.Ser1613Leu; replaces serine 1613 with leucine.
Molecular consequence: missense variant.
Genome position (GRCh38, 1-based): chrX:154,470,019, C>T. VCF-style: chrX-154470019-C-T. GRCh37 (hg19) VCF-style: chrX-153698362-C-T.
Other names: short protein forms S1613L.
Identifiers: ClinVar variation 5000735 (VCV005000735.1).